The following is an entry in ClinVar:

NM_000057.4(BLM):c.2561G>A (p.Ser854Asn)

Gene: BLM (BLM RecQ like helicase; plus strand). Cytogenetic location: 15q26.1.
Variant type: single nucleotide variant.
Coding change: c.2561G>A on transcript NM_000057.4 (MANE Select); coding-DNA position 2561, G replaced by A.
Protein change: p.Ser854Asn; replaces serine 854 with asparagine.
Molecular consequence: missense variant.
Genome position (GRCh38, 1-based): chr15:90,782,827, G>A. VCF-style: chr15-90782827-G-A. GRCh37 (hg19) VCF-style: chr15-91326057-G-A.
Other names: c.2561G>A, p.Ser854Asn (NM_001287246.2, NM_001287247.2); c.1436G>A, p.Ser479Asn (NM_001287248.2); short protein forms S854N, S479N.
Identifiers: ClinVar variation 524813 (VCV000524813.21), dbSNP rs758692622, ClinGen allele CA7738822.

ClinVar aggregate classification (germline): Conflicting classifications of pathogenicity. Review status: criteria provided, conflicting classifications (1 of 4 stars). 6 submissions from 6 submitters: Uncertain significance (4); Likely benign (1). 1 of the submissions does not count toward it. Last evaluated 2025-12-09.

Conditions:
Bloom syndrome (BLM). Also called: Bloom-Torre-Machacek syndrome. Identifiers: Orphanet 125, MedGen C0005859, MONDO:0008876, OMIM 210900.
Hereditary cancer-predisposing syndrome. Also called: Neoplastic Syndromes, Hereditary; Hereditary neoplastic syndrome; Tumor predisposition; Hereditary Cancer Syndrome. Identifiers: Orphanet 140162, MedGen C0027672, MeSH D009386, MONDO:0015356.

Allele frequency attached by ClinVar (database versions not stated): gnomAD exomes below 0.00001 and 0.00001; ExAC 0.00001; gnomAD 0.00001; TOPMed 0.00002.
gnomAD v4.1: 8 of 1,610,066 alleles (0.0005%); highest among the groups gnomAD compares: Admixed American, 0.012%; no homozygotes.

Submissions (6):

Labcorp Genetics (formerly Invitae), Labcorp
Classification: Uncertain significance for Bloom syndrome. Last evaluated: 2025-12-09. Review status: criteria provided, single submitter. Criteria: Invitae Variant Classification Sherloc (09022015). Collection method: clinical testing. Allele origin: germline.
Comment: This sequence change replaces serine, which is neutral and polar, with asparagine, which is neutral and polar, at codon 854 of the BLM protein (p.Ser854Asn). This variant is present in population databases (rs758692622, gnomAD 0.009%). This missense change has been observed in individual(s) with breast cancer (PMID: 31780696, 35264596). ClinVar contains an entry for this variant (Variation ID: 524813). Invitae Evidence Modeling of protein sequence and biophysical properties (such as structural, functional, and spatial information, amino acid conservation, physicochemical variation, residue mobility, and thermodynamic stability) indicates that this missense variant is not expected to disrupt BLM protein function with a negative predictive value of 80%. In summary, the available evidence is currently insufficient to determine the role of this variant in disease. Therefore, it has been classified as a Variant of Uncertain Significance.

Women's Health and Genetics/Laboratory Corporation of America, LabCorp
Classification: Uncertain significance. Last evaluated: 2025-04-18. Review status: criteria provided, single submitter. Criteria: LabCorp Variant Classification Summary - May 2015. Collection method: clinical testing. Allele origin: germline.
Comment: Variant summary: BLM c.2561G>A (p.Ser854Asn) results in a conservative amino acid change in the encoded protein sequence. Four of five in-silico tools predict a benign effect of the variant on protein function. The variant allele was found at a frequency of 1.2e-05 in 251004 control chromosomes (gnomAD). The available data on variant occurrences in the general population are insufficient to allow any conclusion about variant significance. c.2561G>A has been observed in individuals affected with breast cancer or colorectal cancer (Dutil_2019, Guindalini_2022, Silva_2024). These reports do not provide unequivocal conclusions about association of the variant with Bloom Syndrome. To our knowledge, no experimental evidence demonstrating an impact on protein function has been reported. The following publications have been ascertained in the context of this evaluation (PMID: 31780696, 35264596, 39519399). ClinVar contains an entry for this variant (Variation ID: 524813). Based on the evidence outlined above, the variant was classified as uncertain significance.

Ambry Genetics
Classification: Likely benign for Hereditary cancer-predisposing syndrome. Last evaluated: 2023-10-24. Review status: criteria provided, single submitter. Criteria: Ambry Variant Classification Scheme 2023. Collection method: clinical testing. Allele origin: germline.

Quest Diagnostics Nichols Institute San Juan Capistrano
Classification: Uncertain significance. Last evaluated: 2023-10-23. Review status: criteria provided, single submitter. Criteria: Quest Diagnostics criteria. Collection method: clinical testing. Allele origin: unknown.
Comment: The BLM c.2561G>A (p.Ser854Asn) variant has been reported in the published literature in individuals with breast cancer (PMID: 31780696 (2019), 35264596 (2022)). The frequency of this variant in the general population, 0.000087 (3/34498 chromosomes (Genome Aggregation Database)), is uninformative in the assessment of its pathogenicity. Analysis of this variant using bioinformatics tools for the prediction of the effect of amino acid changes on protein structure and function yielded predictions that this variant is benign. Based on the available information, we are unable to determine the clinical significance of this variant.

Mendelics
Classification: Uncertain significance for Bloom syndrome. Last evaluated: 2018-07-02. Review status: criteria provided, single submitter. Criteria: Mendelics Assertion Criteria 2017. Collection method: clinical testing. Allele origin: unknown.

Natera, Inc.
Classification: Uncertain significance for Bloom syndrome. Last evaluated: 2018-12-26. Review status: no assertion criteria provided. Collection method: clinical testing. Allele origin: germline. Not counted in ClinVar's aggregate classification.

Literature cited by the submitters: PubMed 31780696 (cited by 4 submitters); PubMed 35264596 (cited by 4 submitters); PubMed 39519399 (cited by Women's Health and Genetics/Laboratory Corporation of America, LabCorp).